The following is an entry in ClinVar:

ClinVar aggregate classification (germline): Benign (1 of 4 stars; one submission).

Allele frequency attached by ClinVar (database versions not stated): TOPMed 0.96746; 1000 Genomes Project 30x 0.96799; gnomAD 0.96925 and 0.97135; 1000 Genomes Project 0.97005.
gnomAD v4.1: 147,994 of 152,306 alleles (97%); highest among the groups gnomAD compares: East Asian, 100%; 72,061 homozygotes.

Submission:

GeneDx
Classification: Benign. Last evaluated: 2018-06-14. Review status: criteria provided, single submitter. Criteria: GeneDx Variant Classification (06012015). Collection method: clinical testing. Allele origin: germline. Affected: yes.
Comment: This variant is considered likely benign or benign based on one or more of the following criteria: it is a conservative change, it occurs at a poorly conserved position in the protein, it is predicted to be benign by multiple in silico algorithms, and/or has population frequency not consistent with disease.

NM_001130438.3(SPTAN1):c.237+335G>A

Gene: SPTAN1 (spectrin alpha, non-erythrocytic 1; plus strand). Cytogenetic location: 9q34.11.
Variant type: single nucleotide variant.
Coding change: c.237+335G>A on transcript NM_001130438.3 (MANE Select); 335 bases into the intron after coding-DNA position 237, G replaced by A.
Molecular consequence: intron variant.
Genome position (GRCh38, 1-based): chr9:128,567,312, G>A. VCF-style: chr9-128567312-G-A. GRCh37 (hg19) VCF-style: chr9-131329591-G-A.
Other names: c.237+335G>A (NM_001363759.2, NM_003127.4, NM_001363765.2 and 1 more transcripts).
Identifiers: ClinVar variation 680786 (VCV000680786.1), dbSNP rs9696395, ClinGen allele CA200425257.